The following is an entry in ClinVar:

NM_001376.5(DYNC1H1):c.10488C>A (p.Phe3496Leu)

Gene: DYNC1H1 (dynein cytoplasmic 1 heavy chain 1; plus strand). Cytogenetic location: 14q32.31.
Variant type: single nucleotide variant.
Coding change: c.10488C>A on transcript NM_001376.5 (MANE Select); coding-DNA position 10488, C replaced by A.
Protein change: p.Phe3496Leu; replaces phenylalanine 3496 with leucine.
Molecular consequence: missense variant.
Genome position (GRCh38, 1-based): chr14:102,034,050, C>A. VCF-style: chr14-102034050-C-A. GRCh37 (hg19) VCF-style: chr14-102500387-C-A.
Other names: short protein forms F3496L.
Identifiers: ClinVar variation 2858467 (VCV002858467.3), dbSNP rs2152592159, ClinGen allele CA391025874.

ClinVar aggregate classification (germline): Uncertain significance (1 of 4 stars; one submission).

Conditions:
Charcot-Marie-Tooth disease axonal type 2O. Also called: CHARCOT-MARIE-TOOTH NEUROPATHY, AXONAL, TYPE 2O; CHARCOT-MARIE-TOOTH DISEASE, AXONAL, AUTOSOMAL DOMINANT, TYPE 2O; Charcot-Marie-Tooth Neuropathy Type 2O; Charcot-Marie-Tooth disease, axonal, type 20. Identifiers: Orphanet 284232, MedGen C3280220, MONDO:0013644, OMIM 614228.

gnomAD v4.1: 1 of 1,614,118 alleles (0.000062%); highest among the groups gnomAD compares: Non-Finnish European, 0.000085%; no homozygotes.

Submission:

Labcorp Genetics (formerly Invitae), Labcorp
Classification: Uncertain significance for Charcot-Marie-Tooth disease axonal type 2O. Last evaluated: 2023-04-22. Review status: criteria provided, single submitter. Criteria: Invitae Variant Classification Sherloc (09022015). Collection method: clinical testing. Allele origin: germline.
Comment: In summary, the available evidence is currently insufficient to determine the role of this variant in disease. Therefore, it has been classified as a Variant of Uncertain Significance. Advanced modeling of protein sequence and biophysical properties (such as structural, functional, and spatial information, amino acid conservation, physicochemical variation, residue mobility, and thermodynamic stability) performed at Invitae indicates that this missense variant is expected to disrupt DYNC1H1 protein function. This variant has not been reported in the literature in individuals affected with DYNC1H1-related conditions. This variant is not present in population databases (gnomAD no frequency). This sequence change replaces phenylalanine, which is neutral and non-polar, with leucine, which is neutral and non-polar, at codon 3496 of the DYNC1H1 protein (p.Phe3496Leu).